The following is an entry in ClinVar:

ClinVar aggregate classification (germline): Uncertain significance. Review status: criteria provided, multiple submitters, no conflicts (2 of 4 stars). 2 submissions from 2 submitters: Uncertain significance (2). Last evaluated 2025-12-14.

gnomAD v4.1: 15 of 1,206,050 alleles (0.0012%); highest among the groups gnomAD compares: Admixed American, 0.057%; no homozygotes.

Submissions (2):

Labcorp Genetics (formerly Invitae), Labcorp
Classification: Uncertain significance. Last evaluated: 2025-12-14. Review status: criteria provided, single submitter. Criteria: Invitae Variant Classification Sherloc (09022015). Collection method: clinical testing. Allele origin: germline.
Comment: This sequence change replaces serine, which is neutral and polar, with leucine, which is neutral and non-polar, at codon 14 of the TRIM28 protein (p.Ser14Leu). The frequency data for this variant in the population databases is considered unreliable, as metrics indicate insufficient coverage at this position in the gnomAD database. This variant has not been reported in the literature in individuals affected with TRIM28-related conditions. ClinVar contains an entry for this variant (Variation ID: 3461239). Experimental studies and prediction algorithms are not available or were not evaluated, and the functional significance of this variant is currently unknown. In summary, the available evidence is currently insufficient to determine the role of this variant in disease. Therefore, it has been classified as a Variant of Uncertain Significance.

Ambry Genetics
Classification: Uncertain significance. Last evaluated: 2024-12-03. Review status: criteria provided, single submitter. Criteria: Ambry Variant Classification Scheme 2023. Collection method: clinical testing. Allele origin: germline.

NM_005762.3(TRIM28):c.41C>T (p.Ser14Leu)

Genes: TRIM28 (tripartite motif containing 28; plus strand), LOC130065239 (ATAC-STARR-seq lymphoblastoid silent region 11093; plus strand). Cytogenetic location: 19q13.43.
Variant type: single nucleotide variant.
Coding change: c.41C>T on transcript NM_005762.3 (MANE Select); coding-DNA position 41, C replaced by T.
Protein change: p.Ser14Leu; replaces serine 14 with leucine.
Molecular consequence: missense variant.
Genome position (GRCh38, 1-based): chr19:58,544,798, C>T. VCF-style: chr19-58544798-C-T. GRCh37 (hg19) VCF-style: chr19-59056165-C-T.
Other names: short protein forms S14L.
Identifiers: ClinVar variation 3461239 (VCV003461239.3).